The following is an entry in ClinVar:

NC_000012.12:g.121641567C>T

Gene: ORAI1 (ORAI calcium release-activated calcium modulator 1; plus strand). Cytogenetic location: 12q24.31.
Variant type: single nucleotide variant.
Genome position: GRCh38 VCF-style: chr12-121641567-C-T. GRCh37 (hg19) VCF-style: chr12-122079473-C-T.
Other names: c.830C>T, p.Ala277Val (NM_032790.4); short protein forms A277V.
Identifiers: ClinVar variation 1002088 (VCV001002088.7), dbSNP rs543436848, ClinGen allele CA6837578.

ClinVar aggregate classification (germline): Uncertain significance (1 of 4 stars; one submission).

Conditions:
Combined immunodeficiency due to ORAI1 deficiency. Also called: IMMUNODEFICIENCY 9. Identifiers: Orphanet 169090, Orphanet 317428, MedGen C2748568, MONDO:0013007, OMIM 612782.
Myopathy, tubular aggregate, 2 (TAM2). Identifiers: MedGen C4014557, MONDO:0014383, OMIM 615883.

Allele frequency attached by ClinVar (database versions not stated): TOPMed 0.00002; gnomAD exomes 0.00006 and 0.00002; 1000 Genomes Project 0.00040; gnomAD 0.00003 and 0.00004; ExAC 0.00006; 1000 Genomes Project 30x 0.00031.

Submission:

Labcorp Genetics (formerly Invitae), Labcorp
Classification: Uncertain significance for Myopathy, tubular aggregate, 2; Combined immunodeficiency due to ORAI1 deficiency. Last evaluated: 2025-11-03. Review status: criteria provided, single submitter. Criteria: Invitae Variant Classification Sherloc (09022015). Collection method: clinical testing. Allele origin: germline.
Comment: This sequence change replaces alanine, which is neutral and non-polar, with valine, which is neutral and non-polar, at codon 277 of the ORAI1 protein (p.Ala277Val). This variant is present in population databases (rs543436848, gnomAD 0.08%). This variant has not been reported in the literature in individuals affected with ORAI1-related conditions. ClinVar contains an entry for this variant (Variation ID: 1002088). Experimental studies and prediction algorithms are not available or were not evaluated, and the functional significance of this variant is currently unknown. In summary, the available evidence is currently insufficient to determine the role of this variant in disease. Therefore, it has been classified as a Variant of Uncertain Significance.